The following is an entry in ClinVar:

NM_001130987.2(DYSF):c.98A>G (p.Lys33Arg)

Gene: DYSF (dysferlin; plus strand). Cytogenetic location: 2p13.2.
Variant type: single nucleotide variant.
Coding change: c.98A>G on transcript NM_001130987.2 (MANE Select); coding-DNA position 98, A replaced by G.
Protein change: p.Lys33Arg; replaces lysine 33 with arginine.
Molecular consequence: missense variant.
Genome position (GRCh38, 1-based): chr2:71,480,889, A>G. VCF-style: chr2-71480889-A-G. GRCh37 (hg19) VCF-style: chr2-71708019-A-G.
Other names: p.Lys32Arg; c.95A>G, p.Lys32Arg (NM_003494.4, NM_001130976.2, NM_001130977.2 and 4 more transcripts); c.98A>G, p.Lys33Arg (NM_001130455.2, NM_001130982.2, NM_001130983.2 and 3 more transcripts); short protein forms K32R, K33R.
Identifiers: ClinVar variation 1433380 (VCV001433380.6), dbSNP rs539484245, ClinGen allele CA1705219.

ClinVar aggregate classification (germline): Uncertain significance. Review status: criteria provided, multiple submitters, no conflicts (2 of 4 stars). 2 submissions from 2 submitters: Uncertain significance (2). Last evaluated 2022-01-11.

Conditions:
Neuromuscular disease caused by qualitative or quantitative defects of dysferlin. Also called: Qualitative or quantitative defects of dysferlin; Dysferlinopathy. Identifiers: Orphanet 207073, MedGen C2931687, MONDO:0016145.

gnomAD v4.1: 30 of 1,613,936 alleles (0.0019%); highest among the groups gnomAD compares: Admixed American, 0.005%; no homozygotes.

Submissions (2):

Labcorp Genetics (formerly Invitae), Labcorp
Classification: Uncertain significance for Neuromuscular disease caused by qualitative or quantitative defects of dysferlin. Last evaluated: 2022-01-11. Review status: criteria provided, single submitter. Criteria: Invitae Variant Classification Sherloc (09022015). Collection method: clinical testing. Allele origin: germline.
Comment: This sequence change replaces lysine, which is basic and polar, with arginine, which is basic and polar, at codon 32 of the DYSF protein (p.Lys32Arg). This variant is present in population databases (rs539484245, gnomAD 0.006%). This variant has not been reported in the literature in individuals affected with DYSF-related conditions. Advanced modeling of protein sequence and biophysical properties (such as structural, functional, and spatial information, amino acid conservation, physicochemical variation, residue mobility, and thermodynamic stability) performed at Invitae indicates that this missense variant is not expected to disrupt DYSF protein function. In summary, the available evidence is currently insufficient to determine the role of this variant in disease. Therefore, it has been classified as a Variant of Uncertain Significance.

Mayo Clinic Laboratories, Mayo Clinic
Classification: Uncertain significance. Last evaluated: 2021-07-29. Review status: criteria provided, single submitter. Criteria: ACMG Guidelines, 2015. Collection method: clinical testing. Allele origin: germline.